The following is an entry in ClinVar:

NM_147686.4(TRAF3IP2):c.1370T>C (p.Met457Thr)

Genes: TRAF3IP2 (TRAF3 interacting protein 2; minus strand), TRAF3IP2-AS1 (TRAF3IP2 antisense RNA 1; plus strand). Cytogenetic location: 6q21.
Variant type: single nucleotide variant.
Coding change: c.1370T>C on transcript NM_147686.4 (MANE Select); coding-DNA position 1370, T replaced by C.
Protein change: p.Met457Thr; replaces methionine 457 with threonine.
Molecular consequence: missense variant. On other transcripts: initiator codon variant (1).
Genome position (GRCh38, 1-based): chr6:111,566,550, A>G on the plus strand (T>C on the coding strand, the complement: TRAF3IP2 is on the minus strand). VCF-style: chr6-111566550-A-G. GRCh37 (hg19) VCF-style: chr6-111887753-A-G.
Other names: c.1367T>C, p.Met456Thr (NM_001164281.3); c.2T>C, p.Met1Thr (NM_001164283.3); c.1397T>C, p.Met466Thr (NM_147200.3); short protein forms M457T, M456T, M466T, M1T.
Identifiers: ClinVar variation 2014019 (VCV002014019.5), dbSNP rs1795642205, ClinGen allele CA365361450.
Genomic context (GRCh38, chr6:111,566,550, plus strand): 5'-AGCTGCGACTCAGCGCCTTCCACGTCCTGTTTGTATTTGGGGCTGATTGCTACGATTATC[A>G]TCACGGTCTTCTGTTAATGAGAGGGAGAAAGGCATGTTTATGGAAGTGTACCAGCAGGAC-3'
Protein context (NP_679211.2, residues 447-467): MERYLRDKTV[Met457Thr]IIVAISPKYK

ClinVar aggregate classification (germline): Uncertain significance (1 of 4 stars; one submission).

Conditions:
Candidiasis, familial, 8 (CANDF8). Identifiers: Orphanet 1334, MedGen C3714992, MONDO:0014230, OMIM 615527.

Allele frequency attached by ClinVar (database versions not stated): gnomAD exomes below 0.00001; TOPMed below 0.00001.
gnomAD v4.1: 1 of 1,614,066 alleles (0.000062%); highest among the groups gnomAD compares: Non-Finnish European, 0.000085%; no homozygotes.

Submission:

Labcorp Genetics (formerly Invitae), Labcorp
Classification: Uncertain significance for Candidiasis, familial, 8. Last evaluated: 2022-06-19. Review status: criteria provided, single submitter. Criteria: Invitae Variant Classification Sherloc (09022015). Collection method: clinical testing. Allele origin: germline.
Comment: In summary, the available evidence is currently insufficient to determine the role of this variant in disease. Therefore, it has been classified as a Variant of Uncertain Significance. Algorithms developed to predict the effect of missense changes on protein structure and function are either unavailable or do not agree on the potential impact of this missense change (SIFT: "Deleterious"; PolyPhen-2: "Probably Damaging"; Align-GVGD: "Class C0"). This variant has not been reported in the literature in individuals affected with TRAF3IP2-related conditions. This variant is not present in population databases (gnomAD no frequency). This sequence change replaces methionine, which is neutral and non-polar, with threonine, which is neutral and polar, at codon 457 of the TRAF3IP2 protein (p.Met457Thr).